The following is an entry in ClinVar:

NM_005876.5(SPEG):c.6431G>A (p.Arg2144Gln)

Genes: ASIC4-AS1 (ASIC4 antisense RNA 1; minus strand), SPEG (striated muscle enriched protein kinase; plus strand). Cytogenetic location: 2q35.
Variant type: single nucleotide variant.
Coding change: c.6431G>A on transcript NM_005876.5 (MANE Select); coding-DNA position 6431, G replaced by A.
Protein change: p.Arg2144Gln; replaces arginine 2144 with glutamine.
Molecular consequence: missense variant.
Genome position (GRCh38, 1-based): chr2:219,483,894, G>A. VCF-style: chr2-219483894-G-A. GRCh37 (hg19) VCF-style: chr2-220348616-G-A.
Other names: c.6431G>A (NM_005876.4); short protein forms R2144Q.
Identifiers: ClinVar variation 1446158 (VCV001446158.4), dbSNP rs768837753, ClinGen allele CA2127036.

ClinVar aggregate classification (germline): Uncertain significance. Review status: criteria provided, multiple submitters, no conflicts (2 of 4 stars). 3 submissions from 3 submitters: Uncertain significance (3). Last evaluated 2025-06-05.

Conditions:
SPEG-related disorder. Also called: SPEG-related condition.
Inborn genetic diseases. Identifiers: MedGen C0950123, MeSH D030342.

Allele frequency attached by ClinVar (database versions not stated): ExAC 0.00002; gnomAD 0.00005 and 0.00004; TOPMed 0.00005; gnomAD exomes 0.00005.
gnomAD v4.1: 123 of 1,600,176 alleles (0.0077%); highest among the groups gnomAD compares: Non-Finnish European, 0.009%; no homozygotes.

Submissions (3):

Ambry Genetics
Classification: Uncertain significance for Inborn genetic diseases. Last evaluated: 2025-06-05. Review status: criteria provided, single submitter. Criteria: Ambry Variant Classification Scheme 2023. Collection method: clinical testing. Allele origin: germline.

PreventionGenetics, part of Exact Sciences
Classification: Uncertain significance for SPEG-related condition. Last evaluated: 2023-02-15. Review status: criteria provided, single submitter. Criteria: ACMG Guidelines, 2015. Collection method: clinical testing. Allele origin: germline.
Comment: The SPEG c.6431G>A variant is predicted to result in the amino acid substitution p.Arg2144Gln. To our knowledge, this variant has not been reported in the literature. This variant is reported in 0.0093% of alleles in individuals of European (Non-Finnish) descent in gnomAD. At this time, the clinical significance of this variant is uncertain due to the absence of conclusive functional and genetic evidence.

Labcorp Genetics (formerly Invitae), Labcorp
Classification: Uncertain significance. Last evaluated: 2021-10-19. Review status: criteria provided, single submitter. Criteria: Invitae Variant Classification Sherloc (09022015). Collection method: clinical testing. Allele origin: germline.
Comment: This sequence change replaces arginine with glutamine at codon 2144 of the SPEG protein (p.Arg2144Gln). The arginine residue is highly conserved and there is a small physicochemical difference between arginine and glutamine. This variant is present in population databases (rs768837753, ExAC 0.004%). This variant has not been reported in the literature in individuals affected with SPEG-related conditions. Algorithms developed to predict the effect of missense changes on protein structure and function are either unavailable or do not agree on the potential impact of this missense change (SIFT: "Deleterious"; PolyPhen-2: "Probably Damaging"; Align-GVGD: "Class C0"). In summary, the available evidence is currently insufficient to determine the role of this variant in disease. Therefore, it has been classified as a Variant of Uncertain Significance.